The following is an entry in ClinVar:

ClinVar aggregate classification (germline): Benign (1 of 4 stars; one submission).

Conditions:
Episodic ataxia type 6. Identifiers: Orphanet 209967, MedGen C2675211, MONDO:0012982, OMIM 612656.

Allele frequency attached by ClinVar (database versions not stated): 1000 Genomes Project 0.00120; gnomAD below 0.00001 and 0.00019; TOPMed 0.00004; 1000 Genomes Project 30x 0.00078.

Submission:

Illumina Laboratory Services, Illumina
Classification: Benign for Episodic ataxia type 6. Last evaluated: 2018-01-13. Review status: criteria provided, single submitter. Criteria: ICSL Variant Classification Criteria 13 December 2019. Collection method: clinical testing. Allele origin: germline.
Comment: This variant was observed in the ICSL laboratory as part of a predisposition screen in an ostensibly healthy population. It had not been previously curated by ICSL or reported in the Human Gene Mutation Database (HGMD: prior to June 1st, 2018), and was therefore a candidate for classification through an automated scoring system. Utilizing variant allele frequency, disease prevalence and penetrance estimates, and inheritance mode, an automated score was calculated to assess if this variant is too frequent to cause the disease. Based on the score and internal cut-off values, a variant classified as benign is not then subjected to further curation. The score for this variant resulted in a classification of benign for this disease.

NM_004172.4(SLC1A3):c.*2075A>G

Genes: SLC1A3 (solute carrier family 1 member 3; plus strand), SLC1A3-AS1 (SLC1A3 antisense RNA 1; minus strand). Cytogenetic location: 5p13.2.
Variant type: single nucleotide variant.
Coding change: c.*2075A>G on transcript NM_004172.4; 2075 bases downstream of the stop codon, A replaced by G.
Genome position (GRCh38, 1-based): chr5:36,688,344, A>G. VCF-style: chr5-36688344-A-G. GRCh37 (hg19) VCF-style: chr5-36688446-A-G.
Identifiers: ClinVar variation 904899 (VCV000904899.6), dbSNP rs554455160, ClinGen allele CA117427596.